The following is an entry in ClinVar:

ClinVar aggregate classification (germline): Uncertain significance (1 of 4 stars; one submission).

Allele frequency attached by ClinVar (database versions not stated): gnomAD exomes below 0.00001; TOPMed below 0.00001.
gnomAD v4.1: 1 of 1,613,692 alleles (0.000062%); highest among the groups gnomAD compares: South Asian, 0.0011%; no homozygotes.

Submission:

GeneDx
Classification: Uncertain significance. Last evaluated: 2022-08-18. Review status: criteria provided, single submitter. Criteria: GeneDx Variant Classification Process June 2021. Collection method: clinical testing. Allele origin: germline. Affected: yes.
Comment: Not observed at significant frequency in large population cohorts (gnomAD); In silico analysis supports that this missense variant does not alter protein structure/function; Has not been previously published as pathogenic or benign to our knowledge

NM_206933.4(USH2A):c.6157C>G (p.Gln2053Glu)

Gene: USH2A (usherin; minus strand). Cytogenetic location: 1q41.
Variant type: single nucleotide variant.
Coding change: c.6157C>G on transcript NM_206933.4 (MANE Select); coding-DNA position 6157, C replaced by G.
Protein change: p.Gln2053Glu; replaces glutamine 2053 with glutamic acid.
Molecular consequence: missense variant.
Genome position (GRCh38, 1-based): chr1:216,048,540, G>C on the plus strand (C>G on the coding strand, the complement: USH2A is on the minus strand). VCF-style: chr1-216048540-G-C. GRCh37 (hg19) VCF-style: chr1-216221882-G-C.
Other names: short protein forms Q2053E.
Identifiers: ClinVar variation 2430987 (VCV002430987.1), dbSNP rs1050956566, ClinGen allele CA37460253.
Genomic context (GRCh38, chr1:216,048,540, plus strand): 5'-ATTTTATTATTCATGACTGAAATGTGGAAGTCAAGACCTTTGAAATTACTTTACCTTCTT[G>C]TGGAGTAGAGATGTTCAATGCATGTGAGCTCTCAGTACAGCCAGCCAAAGTGCAAGCAGT-3'
Protein context (NP_996816.3, residues 2043-2063): SSHALNISTP[Gln2053Glu]EAPQEVQPPV